The following is an entry in ClinVar:

ClinVar aggregate classification (germline): Benign/Likely benign. Review status: criteria provided, multiple submitters, no conflicts (2 of 4 stars). 3 submissions from 2 submitters: Benign (2); Likely benign (1). Last evaluated 2018-01-12.

Conditions:
Migraine, familial hemiplegic, 3. Identifiers: Orphanet 569, MedGen C1864987, MONDO:0012320, OMIM 609634.
Generalized epilepsy with febrile seizures plus, type 2 (GEFSP2). Also called: GEFS+, TYPE 2. Identifiers: Orphanet 36387, MedGen C1858673, MONDO:0011461, OMIM 604403.

Allele frequency attached by ClinVar (database versions not stated): gnomAD 0.13322 and 0.13789; TOPMed 0.13852; 1000 Genomes Project 30x 0.16505; 1000 Genomes Project 0.16913; gnomAD exomes 0.22454.
gnomAD v4.1: 20,962 of 152,572 alleles (14%); highest among the groups gnomAD compares: East Asian, 33%; 1,831 homozygotes.

Submissions (3):

Illumina Laboratory Services, Illumina
Classification: Benign for Migraine, familial hemiplegic, 3. Last evaluated: 2018-01-12. Review status: criteria provided, single submitter. Criteria: ICSL Variant Classification Criteria 13 December 2019. Collection method: clinical testing. Allele origin: germline.
Comment: This variant was observed in the ICSL laboratory as part of a predisposition screen in an ostensibly healthy population. It had not been previously curated by ICSL or reported in the Human Gene Mutation Database (HGMD: prior to June 1st, 2018), and was therefore a candidate for classification through an automated scoring system. Utilizing variant allele frequency, disease prevalence and penetrance estimates, and inheritance mode, an automated score was calculated to assess if this variant is too frequent to cause the disease. Based on the score and internal cut-off values, a variant classified as benign is not then subjected to further curation. The score for this variant resulted in a classification of benign for this disease.

Illumina Laboratory Services, Illumina
Classification: Benign for Generalized epilepsy with febrile seizures plus, type 2. Last evaluated: 2018-01-12. Review status: criteria provided, single submitter. Criteria: ICSL Variant Classification Criteria 13 December 2019. Collection method: clinical testing. Allele origin: germline.
Comment: the same text as in the submission from Illumina Laboratory Services, Illumina above.

Breakthrough Genomics
Classification: Likely benign. Review status: criteria provided, single submitter. Criteria: ACMG Guidelines, 2015. Collection method: not provided. Allele origin: germline. Inheritance: Autosomal dominant inheritance. Affected: yes.

NM_001165963.4(SCN1A):c.*1025T>C

Genes: SCN1A (sodium voltage-gated channel alpha subunit 1; minus strand), LOC102724058 (uncharacterized LOC102724058; plus strand). Cytogenetic location: 2q24.3.
Variant type: single nucleotide variant.
Coding change: c.*1025T>C on transcript NM_001165963.4 (MANE Select); 1025 bases downstream of the stop codon, T replaced by C.
Molecular consequence: 3 prime UTR variant. On other transcripts: non-coding transcript variant (1).
Genome position (GRCh38, 1-based): chr2:165,990,220, A>G on the plus strand (T>C on the coding strand, the complement: SCN1A is on the minus strand). VCF-style: chr2-165990220-A-G. GRCh37 (hg19) VCF-style: chr2-166846730-A-G.
Other names: c.*1025T>C (NM_001165964.3, NM_001202435.3, NM_001353948.2 and 11 more transcripts).
Identifiers: ClinVar variation 331869 (VCV000331869.7), dbSNP rs10497275, ClinGen allele CA10611191.